The following is an entry in ClinVar:

NM_001163809.2(WDR81):c.4791C>T (p.Ser1597=)

Gene: WDR81 (WD repeat domain 81; plus strand). Cytogenetic location: 17p13.3.
Variant type: single nucleotide variant.
Coding change: c.4791C>T on transcript NM_001163809.2 (MANE Select); coding-DNA position 4791, C replaced by T.
Protein change: p.Ser1597=; no amino-acid change (serine 1597 retained).
Molecular consequence: synonymous variant.
Genome position (GRCh38, 1-based): chr17:1,733,828, C>T. VCF-style: chr17-1733828-C-T. GRCh37 (hg19) VCF-style: chr17-1637122-C-T.
Other names: c.1182C>T, p.Ser394= (NM_001163673.2); c.1110C>T, p.Ser370= (NM_001163811.2); c.1638C>T, p.Ser546= (NM_152348.4).
Identifiers: ClinVar variation 3234263 (VCV003234263.20), dbSNP rs551236660, ClinGen allele CA8273665.
Genomic context (GRCh38, chr17:1,733,828, plus strand): 5'-GAACCCCGGACCACTGGGCCCCATCTCGGGGGTGGGTGGCGGGGGCCTGGGCAGCGGGAG[C>T]GACGACAACGCCCTGAAGCAGGAGCTGCCGCGGAGCGTGCACGGGCTGAGCGGAAACTGG-3'
Protein context (NP_001157281.1, residues 1587-1607): GVGGGGLGSG[Ser1597=]DDNALKQELP

ClinVar aggregate classification (germline): Likely benign (1 of 4 stars; one submission).

Allele frequency attached by ClinVar (database versions not stated): ExAC 0.00001; gnomAD 0.00007; 1000 Genomes Project 30x 0.00031; 1000 Genomes Project 0.00040.
gnomAD v4.1: 47 of 1,612,320 alleles (0.0029%); highest among the groups gnomAD compares: Admixed American, 0.005%; no homozygotes.

Submission:

CeGaT Center for Human Genetics Tuebingen
Classification: Likely benign. Last evaluated: 2024-04-01. Review status: criteria provided, single submitter. Criteria: CeGaT Center For Human Genetics Tuebingen Variant Classification Criteria Version 2. Collection method: clinical testing. Allele origin: germline. Affected: yes. Observed: 1 variant allele.
Comment: WDR81: BP4, BP7